The following is an entry in ClinVar:

NM_015972.4(POLR1D):c.160T>G (p.Ser54Ala)

Genes: POLR1D (RNA polymerase I and III subunit D; plus strand), LOC147380392 (uncharacterized LOC147380392; plus strand). Cytogenetic location: 13q12.2.
Variant type: single nucleotide variant.
Coding change: c.160T>G on transcript NM_015972.4 (MANE Select); coding-DNA position 160, T replaced by G.
Protein change: p.Ser54Ala; replaces serine 54 with alanine.
Molecular consequence: missense variant. On other transcripts: intron variant (2).
Genome position (GRCh38, 1-based): chr13:27,623,008, T>G. VCF-style: chr13-27623008-T-G. GRCh37 (hg19) VCF-style: chr13-28197145-T-G.
Other names: c.160T>G, p.Ser54Ala (NM_001374407.1); c.-59+1868T>G (NM_001206559.2); c.26+999T>G (NM_152705.3); short protein forms S54A.
Identifiers: ClinVar variation 3781072 (VCV003781072.1).

ClinVar aggregate classification (germline): Uncertain significance (1 of 4 stars; one submission).

gnomAD v4.1: 2 of 1,614,110 alleles (0.00012%); highest among the groups gnomAD compares: African/African-American, 0.0013%; no homozygotes.

Submission:

GeneDx
Classification: Uncertain significance. Last evaluated: 2024-10-15. Review status: criteria provided, single submitter. Criteria: GeneDx Variant Classification Process June 2021. Collection method: clinical testing. Allele origin: germline. Affected: yes.
Comment: In silico analysis indicates that this missense variant does not alter protein structure/function; Has not been previously published as pathogenic or benign to our knowledge